The following is an entry in ClinVar:

NM_001042492.3(NF1):c.7188A>G (p.Lys2396=)

Gene: NF1 (neurofibromin 1; plus strand). Cytogenetic location: 17q11.2.
Variant type: single nucleotide variant.
Coding change: c.7188A>G on transcript NM_001042492.3 (MANE Select); coding-DNA position 7188, A replaced by G.
Protein change: p.Lys2396=; no amino-acid change (lysine 2396 retained).
Molecular consequence: synonymous variant.
Genome position (GRCh38, 1-based): chr17:31,343,134, A>G. VCF-style: chr17-31343134-A-G. GRCh37 (hg19) VCF-style: chr17-29670152-A-G.
Other names: c.7125A>G, p.Lys2375= (NM_000267.4).
Identifiers: ClinVar variation 826854 (VCV000826854.4), dbSNP rs202067626, ClinGen allele CA289396303.

ClinVar aggregate classification (germline): Uncertain significance (1 of 4 stars; one submission).

Conditions:
Hereditary cancer-predisposing syndrome. Also called: Neoplastic Syndromes, Hereditary; Tumor predisposition; Hereditary neoplastic syndrome; Hereditary Cancer Syndrome. Identifiers: Orphanet 140162, MedGen C0027672, MeSH D009386, MONDO:0015356.
Cardiovascular phenotype. Identifiers: MedGen CN230736.

Submission:

Ambry Genetics
Classification: Uncertain significance for Cardiovascular phenotype; Hereditary cancer-predisposing syndrome. Last evaluated: 2019-07-03. Review status: criteria provided, single submitter. Criteria: Ambry Variant Classification Scheme 2023. Collection method: clinical testing. Allele origin: germline.
Comment: The c.7125A>G variant (also known as p.K2375K), located in coding exon 47, results from an A to G substitution at nucleotide position 7125 of the NF1 gene. This nucleotide substitution does not change the amino acid at codon 2375. This nucleotide position is well conserved in available vertebrate species. Using two different splice site prediction tools, this alteration is predicted by ESEfinder to weaken the efficiency of the native splice donor site, but is not predicted to have a deleterious effect on this splice donor site by BDGP; however, direct evidence is unavailable. Since supporting evidence is limited at this time, the clinical significance of this alteration remains unclear.